The following is an entry in ClinVar:

NM_198586.3(NHLRC1):c.182C>A (p.Pro61Gln)

Gene: NHLRC1 (NHL repeat containing E3 ubiquitin protein ligase 1; minus strand). Cytogenetic location: 6p22.3.
Variant type: single nucleotide variant.
Coding change: c.182C>A on transcript NM_198586.3 (MANE Select); coding-DNA position 182, C replaced by A.
Protein change: p.Pro61Gln; replaces proline 61 with glutamine.
Molecular consequence: missense variant.
Genome position (GRCh38, 1-based): chr6:18,122,425, G>T on the plus strand (C>A on the coding strand, the complement: NHLRC1 is on the minus strand). VCF-style: chr6-18122425-G-T. GRCh37 (hg19) VCF-style: chr6-18122656-G-T.
Other names: c.182C>A (NM_198586.2); short protein forms P61Q.
Identifiers: ClinVar variation 1474866 (VCV001474866.8), dbSNP rs1783757283, ClinGen allele CA362829379.
Genomic context (GRCh38, chr6:18,122,425, plus strand): 5'-CTGGTGTCGCAGCCCCGGCAAGCTCGCCTGCAGAATGGGCACTCGAGGGCCAGAGTGCGC[G>T]GGTGCGCCAGGGCGGCCACGCAGGCCAGGCAGACCACGTGGCCGCAGGACAGGTTGCGCG-3'
Protein context (NP_940988.2, residues 51-71): CLACVAALAH[Pro61Gln]RTLALECPFC

ClinVar aggregate classification (germline): Uncertain significance. Review status: criteria provided, multiple submitters, no conflicts (2 of 4 stars). 2 submissions from 2 submitters: Uncertain significance (2). Last evaluated 2025-08-14.

Conditions:
Inborn genetic diseases. Identifiers: MedGen C0950123, MeSH D030342.
Lafora disease. Also called: Epilepsy progressive myoclonic 2. Identifiers: Orphanet 501, MedGen C0751783, MONDO:0009697.

Allele frequency attached by ClinVar (database versions not stated): gnomAD exomes below 0.00001.
gnomAD v4.1: 4 of 1,590,668 alleles (0.00025%); highest among the groups gnomAD compares: Non-Finnish European, 0.00034%; no homozygotes.

Submissions (2):

Ambry Genetics
Classification: Uncertain significance for Inborn genetic diseases. Last evaluated: 2025-08-14. Review status: criteria provided, single submitter. Criteria: Ambry Variant Classification Scheme 2023. Collection method: clinical testing. Allele origin: germline.

Labcorp Genetics (formerly Invitae), Labcorp
Classification: Uncertain significance for Lafora disease. Last evaluated: 2023-10-03. Review status: criteria provided, single submitter. Criteria: Invitae Variant Classification Sherloc (09022015). Collection method: clinical testing. Allele origin: germline.
Comment: This sequence change replaces proline, which is neutral and non-polar, with glutamine, which is neutral and polar, at codon 61 of the NHLRC1 protein (p.Pro61Gln). This variant is not present in population databases (gnomAD no frequency). This variant has not been reported in the literature in individuals affected with NHLRC1-related conditions. ClinVar contains an entry for this variant (Variation ID: 1474866). Advanced modeling of protein sequence and biophysical properties (such as structural, functional, and spatial information, amino acid conservation, physicochemical variation, residue mobility, and thermodynamic stability) performed at Invitae indicates that this missense variant is not expected to disrupt NHLRC1 protein function. In summary, the available evidence is currently insufficient to determine the role of this variant in disease. Therefore, it has been classified as a Variant of Uncertain Significance.